The following is an entry in ClinVar:

NM_002772.3(TMPRSS15):c.344+1G>A

Gene: TMPRSS15 (transmembrane serine protease 15; minus strand). Cytogenetic location: 21q21.1.
Variant type: single nucleotide variant.
Coding change: c.344+1G>A on transcript NM_002772.3 (MANE Select); the canonical splice donor site of the intron after coding-DNA position 344, G replaced by A.
Molecular consequence: splice donor variant.
Genome position (GRCh38, 1-based): chr21:18,397,878, C>T on the plus strand (G>A on the coding strand, the complement: TMPRSS15 is on the minus strand). VCF-style: chr21-18397878-C-T. GRCh37 (hg19) VCF-style: chr21-19770195-C-T.
Identifiers: ClinVar variation 2796713 (VCV002796713.3), dbSNP rs893800197, ClinGen allele CA318125494.
Genomic context (GRCh38, chr21:18,397,878, plus strand): 5'-CAAATATTAGCAAAAAAATCACTAATTTTCCATCAGTAGAAAATTTTTGAGCTATACTCA[C>T]TCAAATTGTAAAACTCTTGAGTTCTTATATTCATTCTTCAGATTGCTTGATAGAAAGATC-3'

ClinVar aggregate classification (germline): Likely pathogenic (1 of 4 stars; one submission).

Allele frequency attached by ClinVar (database versions not stated): gnomAD exomes below 0.00001; gnomAD 0.00001; TOPMed 0.00001.
gnomAD v4.1: 6 of 1,534,054 alleles (0.00039%); highest among the groups gnomAD compares: Non-Finnish European, 0.00053%; no homozygotes.

Submission:

Labcorp Genetics (formerly Invitae), Labcorp
Classification: Likely pathogenic. Last evaluated: 2023-05-23. Review status: criteria provided, single submitter. Criteria: Invitae Variant Classification Sherloc (09022015). Collection method: clinical testing. Allele origin: germline.
Comment: In summary, the currently available evidence indicates that the variant is pathogenic, but additional data are needed to prove that conclusively. Therefore, this variant has been classified as Likely Pathogenic. Algorithms developed to predict the effect of sequence changes on RNA splicing suggest that this variant may disrupt the consensus splice site. This variant has not been reported in the literature in individuals affected with TMPRSS15-related conditions. The frequency data for this variant in the population databases is considered unreliable, as metrics indicate poor data quality at this position in the gnomAD database. This sequence change affects a donor splice site in intron 3 of the TMPRSS15 gene. It is expected to disrupt RNA splicing. Variants that disrupt the donor or acceptor splice site typically lead to a loss of protein function (PMID: 16199547), and loss-of-function variants in TMPRSS15 are known to be pathogenic (PMID: 11719902).

Literature cited by the submitters: PubMed 16199547; PubMed 11719902.